The following is an entry in ClinVar:

ClinVar aggregate classification (germline): Uncertain significance (1 of 4 stars; one submission).

gnomAD v4.1: 2 of 1,551,872 alleles (0.00013%); highest among the groups gnomAD compares: African/African-American, 0.0027%; no homozygotes.

Submission:

GeneDx
Classification: Uncertain significance. Last evaluated: 2025-03-21. Review status: criteria provided, single submitter. Criteria: GeneDx Variant Classification Process June 2021. Collection method: clinical testing. Allele origin: germline. Affected: yes.
Comment: Not observed at significant frequency in large population cohorts (gnomAD); In silico analysis indicates that this missense variant does not alter protein structure/function; Has not been previously published as pathogenic or benign to our knowledge

NM_014159.7(SETD2):c.235C>G (p.Leu79Val)

Gene: SETD2 (SET domain containing 2, histone lysine methyltransferase; minus strand). Cytogenetic location: 3p21.31.
Variant type: single nucleotide variant.
Coding change: c.235C>G on transcript NM_014159.7 (MANE Select); coding-DNA position 235, C replaced by G.
Protein change: p.Leu79Val; replaces leucine 79 with valine.
Molecular consequence: missense variant. On other transcripts: non-coding transcript variant (1).
Genome position (GRCh38, 1-based): chr3:47,124,401, G>C on the plus strand (C>G on the coding strand, the complement: SETD2 is on the minus strand). VCF-style: chr3-47124401-G-C. GRCh37 (hg19) VCF-style: chr3-47165891-G-C.
Other names: c.103C>G, p.Leu35Val (NM_001349370.3); short protein forms L35V, L79V.
Identifiers: ClinVar variation 4086324 (VCV004086324.1).